The following is an entry in ClinVar:

ClinVar aggregate classification (germline): Uncertain significance (1 of 4 stars; one submission).

Conditions:
Deficiency of galactokinase. Also called: GALACTOSEMIA II; Galactokinase deficiency with cataracts. Identifiers: Orphanet 352, Orphanet 79237, MedGen C0268155, MONDO:0009255, OMIM 230200.

Allele frequency attached by ClinVar (database versions not stated): TOPMed 0.00001.
gnomAD v4.1: 9 of 1,588,312 alleles (0.00057%); highest among the groups gnomAD compares: South Asian, 0.0023%; no homozygotes.

Submission:

Labcorp Genetics (formerly Invitae), Labcorp
Classification: Uncertain significance for Deficiency of galactokinase. Last evaluated: 2022-03-03. Review status: criteria provided, single submitter. Criteria: Invitae Variant Classification Sherloc (09022015). Collection method: clinical testing. Allele origin: germline.
Comment: This sequence change replaces leucine, which is neutral and non-polar, with methionine, which is neutral and non-polar, at codon 13 of the GALK1 protein (p.Leu13Met). This variant is not present in population databases (gnomAD no frequency). This variant has not been reported in the literature in individuals affected with GALK1-related conditions. Algorithms developed to predict the effect of missense changes on protein structure and function are either unavailable or do not agree on the potential impact of this missense change (SIFT: "Tolerated"; PolyPhen-2: "Probably Damaging"; Align-GVGD: "Class C0"). In summary, the available evidence is currently insufficient to determine the role of this variant in disease. Therefore, it has been classified as a Variant of Uncertain Significance.

NM_000154.2(GALK1):c.37C>A (p.Leu13Met)

Gene: GALK1 (galactokinase 1; minus strand). Cytogenetic location: 17q25.1.
Variant type: single nucleotide variant.
Coding change: c.37C>A on transcript NM_000154.2 (MANE Select); coding-DNA position 37, C replaced by A.
Protein change: p.Leu13Met; replaces leucine 13 with methionine.
Molecular consequence: missense variant.
Genome position (GRCh38, 1-based): chr17:75,765,100, G>T on the plus strand (C>A on the coding strand, the complement: GALK1 is on the minus strand). VCF-style: chr17-75765100-G-T. GRCh37 (hg19) VCF-style: chr17-73761181-G-T.
Other names: c.37C>A, p.Leu13Met (NM_001381985.1); short protein forms L13M.
Identifiers: ClinVar variation 1391026 (VCV001391026.5), dbSNP rs1001223598, ClinGen allele CA294089626.
Genomic context (GRCh38, chr17:75,765,100, plus strand): 5'-ACACGGCCAGCTCGGGCTCGGCCCCGAACTCCTCCCGGAAGGCTCGCCGGGCCTCGGCCA[G>T]CAGCTCCGCGACCTGGGGCTGTCTCAAAGCAGCCATGACGCGCGCCTGCAGCTCTGCACA-3'
Protein context (NP_000145.1, residues 3-23): ALRQPQVAEL[Leu13Met]AEARRAFREE